The following is an entry in ClinVar:

NM_003791.4(MBTPS1):c.129G>C (p.Leu43Phe)

Gene: MBTPS1 (membrane bound transcription factor peptidase, site 1; minus strand). Cytogenetic location: 16q24.1.
Variant type: single nucleotide variant.
Coding change: c.129G>C on transcript NM_003791.4 (MANE Select); coding-DNA position 129, G replaced by C.
Protein change: p.Leu43Phe; replaces leucine 43 with phenylalanine.
Molecular consequence: missense variant.
Genome position (GRCh38, 1-based): chr16:84,101,655, C>G on the plus strand (G>C on the coding strand, the complement: MBTPS1 is on the minus strand). VCF-style: chr16-84101655-C-G. GRCh37 (hg19) VCF-style: chr16-84135260-C-G.
Other names: c.129G>C (NM_003791.2); short protein forms L43F.
Identifiers: ClinVar variation 1909257 (VCV001909257.3), dbSNP rs148030971, ClinGen allele CA8201898.

ClinVar aggregate classification (germline): Uncertain significance. Review status: criteria provided, multiple submitters, no conflicts (2 of 4 stars). 2 submissions from 2 submitters: Uncertain significance (2). Last evaluated 2024-10-01.

Conditions:
Inborn genetic diseases. Identifiers: MedGen C0950123, MeSH D030342.

gnomAD v4.1: 14 of 1,613,884 alleles (0.00087%); highest among the groups gnomAD compares: Admixed American, 0.018%; no homozygotes.

Submissions (2):

Ambry Genetics
Classification: Uncertain significance for Inborn genetic diseases. Last evaluated: 2024-10-01. Review status: criteria provided, single submitter. Criteria: Ambry Variant Classification Scheme 2023. Collection method: clinical testing. Allele origin: germline.

Labcorp Genetics (formerly Invitae), Labcorp
Classification: Uncertain significance. Last evaluated: 2022-10-22. Review status: criteria provided, single submitter. Criteria: Invitae Variant Classification Sherloc (09022015). Collection method: clinical testing. Allele origin: germline.
Comment: This sequence change replaces leucine, which is neutral and non-polar, with phenylalanine, which is neutral and non-polar, at codon 43 of the MBTPS1 protein (p.Leu43Phe). This variant is present in population databases (rs148030971, gnomAD 0.03%). This variant has not been reported in the literature in individuals affected with MBTPS1-related conditions. Algorithms developed to predict the effect of missense changes on protein structure and function are either unavailable or do not agree on the potential impact of this missense change (SIFT: "Deleterious"; PolyPhen-2: "Possibly Damaging"; Align-GVGD: "Class C0"). In summary, the available evidence is currently insufficient to determine the role of this variant in disease. Therefore, it has been classified as a Variant of Uncertain Significance.